The following is an entry in ClinVar:

ClinVar aggregate classification (germline): Uncertain significance (1 of 4 stars; one submission).

Conditions:
Hypertrophic cardiomyopathy 10. Also called: MYL2-Related Familial Hypertrophic Cardiomyopathy; CARDIOMYOPATHY, HYPERTROPHIC, MID-LEFT VENTRICULAR CHAMBER TYPE, 2. Identifiers: MedGen C1834460, MONDO:0012112, OMIM 608758.

gnomAD v4.1: 1 of 1,614,192 alleles (0.000062%); highest among the groups gnomAD compares: Non-Finnish European, 0.000085%; no homozygotes.

Submission:

Labcorp Genetics (formerly Invitae), Labcorp
Classification: Uncertain significance for Hypertrophic cardiomyopathy 10. Last evaluated: 2017-08-08. Review status: criteria provided, single submitter. Criteria: Invitae Variant Classification Sherloc (09022015). Collection method: clinical testing. Allele origin: germline.
Comment: This sequence change falls in intron 4 of the MYL2 gene. It does not directly change the encoded amino acid sequence of the MYL2 protein. This variant is not present in population databases (ExAC no frequency). This variant has not been reported in the literature in individuals with MYL2-related disease. Algorithms developed to predict the effect of sequence changes on RNA splicing suggest that this variant may disrupt the consensus splice site, but this prediction has not been confirmed by published transcriptional studies. In summary, the available evidence is currently insufficient to determine the role of this variant in disease. Therefore, it has been classified as a Variant of Uncertain Significance.

NM_000432.4(MYL2):c.275-8C>A

Gene: MYL2 (myosin light chain 2; minus strand). Cytogenetic location: 12q24.11.
Variant type: single nucleotide variant.
Coding change: c.275-8C>A on transcript NM_000432.4 (MANE Select); 8 bases into the intron before coding-DNA position 275, C replaced by A.
Molecular consequence: intron variant.
Genome position (GRCh38, 1-based): chr12:110,913,332, G>T on the plus strand (C>A on the coding strand, the complement: MYL2 is on the minus strand). VCF-style: chr12-110913332-G-T. GRCh37 (hg19) VCF-style: chr12-111351136-G-T.
Identifiers: ClinVar variation 532781 (VCV000532781.9), dbSNP rs765328765, ClinGen allele CA658797957.